The following is an entry in ClinVar:

NM_006005.3(WFS1):c.1302C>T (p.Val434=)

Gene: WFS1 (wolframin ER transmembrane glycoprotein; plus strand). Cytogenetic location: 4p16.1.
Variant type: single nucleotide variant.
Coding change: c.1302C>T on transcript NM_006005.3 (MANE Select); coding-DNA position 1302, C replaced by T.
Protein change: p.Val434=; no amino-acid change (valine 434 retained).
Molecular consequence: synonymous variant.
Genome position (GRCh38, 1-based): chr4:6,301,097, C>T. VCF-style: chr4-6301097-C-T. GRCh37 (hg19) VCF-style: chr4-6302824-C-T.
Other names: c.1302C>T, p.Val434= (NM_001145853.1).
Identifiers: ClinVar variation 381281 (VCV000381281.12), dbSNP rs142745931, ClinGen allele CA2839300.

ClinVar aggregate classification (germline): Benign/Likely benign. Review status: criteria provided, multiple submitters, no conflicts (2 of 4 stars). 4 submissions from 4 submitters: Benign (1); Likely benign (3). Last evaluated 2025-11-24.

Conditions:
Wolfram syndrome 1 (WFS1). Identifiers: Orphanet 3463, MedGen C4551693, MONDO:0009101, OMIM 222300.

Allele frequency attached by ClinVar (database versions not stated): gnomAD exomes 0.00004; ExAC 0.00006; gnomAD 0.00018 and 0.00021; TOPMed 0.00018; ESP Exome Variant Server 0.00023.
gnomAD v4.1: 57 of 1,613,868 alleles (0.0035%); highest among the groups gnomAD compares: African/African-American, 0.071%; no homozygotes.

Submissions (4):

Labcorp Genetics (formerly Invitae), Labcorp
Classification: Likely benign. Last evaluated: 2025-11-24. Review status: criteria provided, single submitter. Criteria: Invitae Variant Classification Sherloc (09022015). Collection method: clinical testing. Allele origin: germline.

Blueprint Genetics
Classification: Likely benign. Last evaluated: 2022-09-05. Review status: criteria provided, single submitter. Criteria: ACMG Guidelines, 2015. Collection method: clinical testing. Allele origin: germline.

GeneDx
Classification: Likely benign. Last evaluated: 2020-03-30. Review status: criteria provided, single submitter. Criteria: GeneDx Variant Classification Process June 2021. Collection method: clinical testing. Allele origin: germline. Affected: yes.

Clinical Genomics, Uppaluri K&H Personalized Medicine Clinic
Classification: Benign for Wolfram syndrome 1. Review status: criteria provided, single submitter. Criteria: K & H Uppaluri Personalized Medicine Clinic Variant Classification & Assertion Criteria_Updated V.1. Collection method: research. Allele origin: unknown. Inheritance: Autosomal recessive inheritance.
Comment: Potent mutations in WFS1 gene are associated with Wolfram's syndrome, an autosomal recessive condition, which cause diabetes mellitus, diabetes insipidus, deafness and optic atrophy. However no sufficient evidence is found to ascertain the role of this particular variant rs142745931 in Wolfram's syndrome yet.

Literature cited by the submitters: PubMed 20738327 (cited by Clinical Genomics, Uppaluri K&H Personalized Medicine Clinic); PubMed 33879153 (cited by Clinical Genomics, Uppaluri K&H Personalized Medicine Clinic); PubMed 12955714 (cited by Clinical Genomics, Uppaluri K&H Personalized Medicine Clinic); PubMed 18060660 (cited by Clinical Genomics, Uppaluri K&H Personalized Medicine Clinic); PubMed 20301750 (cited by Clinical Genomics, Uppaluri K&H Personalized Medicine Clinic); PubMed 17603484 (cited by Clinical Genomics, Uppaluri K&H Personalized Medicine Clinic).